The following is an entry in ClinVar:

NM_005502.4(ABCA1):c.2642A>G (p.Lys881Arg)

Gene: ABCA1 (ATP binding cassette subfamily A member 1; minus strand). Cytogenetic location: 9q31.1.
Variant type: single nucleotide variant.
Coding change: c.2642A>G on transcript NM_005502.4 (MANE Select); coding-DNA position 2642, A replaced by G.
Protein change: p.Lys881Arg; replaces lysine 881 with arginine.
Molecular consequence: missense variant.
Genome position (GRCh38, 1-based): chr9:104,824,479, T>C on the plus strand (A>G on the coding strand, the complement: ABCA1 is on the minus strand). VCF-style: chr9-104824479-T-C. GRCh37 (hg19) VCF-style: chr9-107586760-T-C.
Other names: short protein forms K881R.
Identifiers: ClinVar variation 3835352 (VCV003835352.2).
Genomic context (GRCh38, chr9:104,824,479, plus strand): 5'-CAGCAGCACTAGGTTAAAGAAAGAGCAGGAGGTCAACAGCACTTACTTTCTGATATTCTC[T>C]TCTGGTTGGAACCAGGGTGGCTCTTCTCATCACTTTCCTCGCCAAACCAGTAGGACTTGG-3'
Protein context (NP_005493.2, residues 871-891): DEKSHPGSNQ[Lys881Arg]RISEICMEEE

ClinVar aggregate classification (germline): Uncertain significance (1 of 4 stars; one submission).

Conditions:
Cardiovascular phenotype. Identifiers: MedGen CN230736.

gnomAD v4.1: 27 of 1,614,060 alleles (0.0017%); highest among the groups gnomAD compares: Non-Finnish European, 0.0022%; no homozygotes.

Submission:

Ambry Genetics
Classification: Uncertain significance for Cardiovascular phenotype. Last evaluated: 2025-07-22. Review status: criteria provided, single submitter. Criteria: Ambry Variant Classification Scheme 2023. Collection method: clinical testing. Allele origin: germline.
Comment: The p.K881R variant (also known as c.2642A>G), located in coding exon 17 of the ABCA1 gene, results from an A to G substitution at nucleotide position 2642. The lysine at codon 881 is replaced by arginine, an amino acid with highly similar properties. This amino acid position is conserved. In addition, the in silico prediction for this alteration is inconclusive. Based on the available evidence, the clinical significance of this variant remains unclear.